The following is an entry in ClinVar:

ClinVar aggregate classification (germline): Uncertain significance (1 of 4 stars; one submission).

gnomAD v4.1: 7 of 1,551,620 alleles (0.00045%); highest among the groups gnomAD compares: South Asian, 0.0036%; no homozygotes.

Submission:

CeGaT Center for Human Genetics Tuebingen
Classification: Uncertain significance. Last evaluated: 2026-08-01. Review status: criteria provided, single submitter. Criteria: CeGaT Center For Human Genetics Tuebingen Variant Classification Criteria Version 2. Collection method: clinical testing. Allele origin: germline. Affected: yes. Observed: 1 variant allele.
Comment: DNHD1: PM2, PP2, BP4

NM_144666.3(DNHD1):c.9619G>A (p.Ala3207Thr)

Gene: DNHD1 (dynein heavy chain domain 1; plus strand). Cytogenetic location: 11p15.4.
Variant type: single nucleotide variant.
Coding change: c.9619G>A on transcript NM_144666.3 (MANE Select); coding-DNA position 9619, G replaced by A.
Protein change: p.Ala3207Thr; replaces alanine 3207 with threonine.
Molecular consequence: missense variant.
Genome position (GRCh38, 1-based): chr11:6,563,081, G>A. VCF-style: chr11-6563081-G-A. GRCh37 (hg19) VCF-style: chr11-6584311-G-A.
Other names: short protein forms A3207T.
Identifiers: ClinVar variation 5038575 (VCV005038575.1).
Genomic context (GRCh38, chr11:6,563,081, plus strand): 5'-CTCCTATACAAGCAGCAGCTGGAAGAGTGTCGGCATCAAGAGAACCTCATTGAGAACCTG[G>A]CCAGGCAACGGGATGCCCTGCAAGCTCAGCGAGAGGCTTTCCTGGAGCAGGTGGGCTCTT-3'
Protein context (NP_653267.2, residues 3197-3217): RHQENLIENL[Ala3207Thr]RQRDALQAQR